The following is an entry in ClinVar:

NM_007294.4(BRCA1):c.5203G>T (p.Glu1735Ter)

Gene: BRCA1 (BRCA1 DNA repair associated; minus strand). Cytogenetic location: 17q21.31.
Variant type: single nucleotide variant.
Coding change: c.5203G>T on transcript NM_007294.4 (MANE Select); coding-DNA position 5203, G replaced by T.
Protein change: p.Glu1735Ter; replaces glutamic acid 1735 with a stop codon.
Molecular consequence: nonsense. On other transcripts: non-coding transcript variant (1).
Genome position (GRCh38, 1-based): chr17:43,057,126, C>A on the plus strand (G>T on the coding strand, the complement: BRCA1 is on the minus strand). VCF-style: chr17-43057126-C-A. GRCh37 (hg19) VCF-style: chr17-41209143-C-A.
Other names: c.4990G>T, p.Glu1664Ter (NM_001407571.1, NM_001407900.1, NM_001407902.1 and 12 more transcripts); c.5269G>T, p.Glu1757Ter (NM_001407581.1, NM_001407582.1); c.5266G>T, p.Glu1756Ter (NM_001407583.1, NM_001407585.1, NM_001407587.1 and 1 more transcripts); c.5200G>T, p.Glu1734Ter (NM_001407610.1, NM_001407611.1, NM_001407612.1 and 17 more transcripts); c.5197G>T, p.Glu1733Ter (NM_001407629.1, NM_001407630.1, NM_001407631.1 and 14 more transcripts); c.5143G>T, p.Glu1715Ter (NM_001407649.1); c.5125G>T, p.Glu1709Ter (NM_001407652.1, NM_001407653.1, NM_001407654.1 and 1 more transcripts); c.5122G>T, p.Glu1708Ter (NM_001407656.1, NM_001407657.1, NM_001407658.1); and 72 more; short protein forms E1756*, E631*, E1688*, E1735*, E1439*, E1668*, E1686*, E1687*.
Identifiers: ClinVar variation 867512 (VCV000867512.3), dbSNP rs397509238, ClinGen allele CA10591129.

Conditions:
Breast-ovarian cancer, familial, susceptibility to, 1 (BROVCA1). Also called: BRCA1 Hereditary Breast and Ovarian Cancer; OVARIAN CANCER, SUSCEPTIBILITY TO. Identifiers: Orphanet 145, MedGen C2676676, MONDO:0011450, OMIM 604370. Disease mechanism: loss of function.

Submission:

Brotman Baty Institute, University of Washington
No classification provided (evidence only). Condition: Breast-ovarian cancer, familial 1. Review status: no classification provided. Collection method: in vitro. Allele origin: not applicable. Functional consequence: functionally_abnormal.
ClinVar note: "not provided" was previously submitted as the classification for the variant. However, the classification appeared to be based only on an observation of functional data so it was converted to no classification on 2025-07-30.